The following is an entry in ClinVar:

NM_005529.7(HSPG2):c.4900G>A (p.Gly1634Ser)

Gene: HSPG2 (heparan sulfate proteoglycan 2; minus strand). Cytogenetic location: 1p36.12.
Variant type: single nucleotide variant.
Coding change: c.4900G>A on transcript NM_005529.7 (MANE Select); coding-DNA position 4900, G replaced by A.
Protein change: p.Gly1634Ser; replaces glycine 1634 with serine.
Molecular consequence: missense variant.
Genome position (GRCh38, 1-based): chr1:21,861,812, C>T on the plus strand (G>A on the coding strand, the complement: HSPG2 is on the minus strand). VCF-style: chr1-21861812-C-T. GRCh37 (hg19) VCF-style: chr1-22188305-C-T.
Other names: c.4903G>A, p.Gly1635Ser (NM_001291860.2); short protein forms G1634S, G1635S.
Identifiers: ClinVar variation 875451 (VCV000875451.9), dbSNP rs372033039, ClinGen allele CA672125.

ClinVar aggregate classification (germline): Uncertain significance. Review status: criteria provided, multiple submitters, no conflicts (2 of 4 stars). 5 submissions from 4 submitters: Uncertain significance (5). Last evaluated 2024-08-07.

Conditions:
Schwartz-Jampel syndrome. Also called: Myotonic myopathy dwarfism chondrodystrophy and ocular and facial abnormalities. Identifiers: Orphanet 800, MedGen C0036391, MONDO:0009717.
Inborn genetic diseases. Identifiers: MedGen C0950123, MeSH D030342.
Lethal Kniest-like syndrome (DDSH). Also called: Dyssegmental Dysplasia. Identifiers: Orphanet 1865, MedGen C1857100, MONDO:0009140, OMIM 224410.

Allele frequency attached by ClinVar (database versions not stated): gnomAD exomes 0.00007 and 0.00010; ExAC 0.00008; gnomAD 0.00009 and 0.00010; TOPMed 0.00010; ESP Exome Variant Server 0.00023.

Submissions (5):

Ambry Genetics
Classification: Uncertain significance for Inborn genetic diseases. Last evaluated: 2024-08-07. Review status: criteria provided, single submitter. Criteria: Ambry Variant Classification Scheme 2023. Collection method: clinical testing. Allele origin: germline.

GeneDx
Classification: Uncertain significance. Last evaluated: 2024-05-28. Review status: criteria provided, single submitter. Criteria: GeneDx Variant Classification Process June 2021. Collection method: clinical testing. Allele origin: germline. Affected: yes.
Comment: Has not been previously published as pathogenic or benign to our knowledge; In silico analysis supports that this missense variant has a deleterious effect on protein structure/function

Labcorp Genetics (formerly Invitae), Labcorp
Classification: Uncertain significance. Last evaluated: 2023-04-25. Review status: criteria provided, single submitter. Criteria: Invitae Variant Classification Sherloc (09022015). Collection method: clinical testing. Allele origin: germline.
Comment: In summary, the available evidence is currently insufficient to determine the role of this variant in disease. Therefore, it has been classified as a Variant of Uncertain Significance. Algorithms developed to predict the effect of missense changes on protein structure and function output the following: SIFT: "Not Available"; PolyPhen-2: "Benign"; Align-GVGD: "Not Available". The serine amino acid residue is found in multiple mammalian species, which suggests that this missense change does not adversely affect protein function. ClinVar contains an entry for this variant (Variation ID: 875451). This variant has not been reported in the literature in individuals affected with HSPG2-related conditions. This variant is present in population databases (rs372033039, gnomAD 0.04%). This sequence change replaces glycine, which is neutral and non-polar, with serine, which is neutral and polar, at codon 1634 of the HSPG2 protein (p.Gly1634Ser).

Illumina Laboratory Services, Illumina
Classification: Uncertain significance for Schwartz-Jampel syndrome type 1. Last evaluated: 2018-01-13. Review status: criteria provided, single submitter. Criteria: ICSL Variant Classification Criteria 13 December 2019. Collection method: clinical testing. Allele origin: germline.

Illumina Laboratory Services, Illumina
Classification: Uncertain significance for Lethal Kniest-like syndrome. Last evaluated: 2018-01-13. Review status: criteria provided, single submitter. Criteria: ICSL Variant Classification Criteria 13 December 2019. Collection method: clinical testing. Allele origin: germline.